The following is an entry in ClinVar:

ClinVar aggregate classification (germline): Uncertain significance. Review status: criteria provided, multiple submitters, no conflicts (2 of 4 stars). 7 submissions from 7 submitters: Uncertain significance (6). 1 of the submissions does not count toward it. Last evaluated 2025-10-15.

Conditions:
ELP1-related disorder. Also called: ELP1-related condition.
Familial dysautonomia. Also called: HSAN III; FD. Identifiers: Orphanet 1764, MedGen C0013364, MONDO:0009131, OMIM 223900. Disease mechanism: loss of function.
Medulloblastoma (MDB). Also called: MEDULLOBLASTOMA PREDISPOSITION SYNDROME; Medulloblastoma, somatic. Identifiers: Orphanet 616, MedGen C0025149, MeSH D008527, MONDO:0007959, OMIM 155255, HP:0002885.
ELP1-Associated Medulloblastoma. Identifiers: MedGen C5670652.

Allele frequency attached by ClinVar (database versions not stated): gnomAD 0.00001; gnomAD exomes 0.00001 and 0.00004; TOPMed 0.00002; ExAC 0.00003; ESP Exome Variant Server 0.00008.
gnomAD v4.1: 71 of 1,613,996 alleles (0.0044%); highest among the groups gnomAD compares: Non-Finnish European, 0.0052%; no homozygotes.

Submissions (7):

PreventionGenetics, part of Exact Sciences
Classification: Uncertain significance for ELP1-related condition. Last evaluated: 2025-10-15. Review status: criteria provided, single submitter. Criteria: ACMG Guidelines, 2015. Collection method: clinical testing. Allele origin: germline.
Comment: The ELP1 c.1229C>T variant is predicted to result in the amino acid substitution p.Pro410Leu. This variant was reported in an individual with medulloblastoma (Table S2, Waszak et al. 2020. PubMed ID: 32296180). This variant is reported in 0.0018% of alleles in individuals of European (non-Finnish) descent in gnomAD. At this time, the clinical significance of this variant is uncertain due to the absence of conclusive functional and genetic evidence.

Women's Health and Genetics/Laboratory Corporation of America, LabCorp
Classification: Uncertain significance. Last evaluated: 2025-10-08. Review status: criteria provided, single submitter. Criteria: LabCorp Variant Classification Summary - May 2015. Collection method: clinical testing. Allele origin: germline.
Comment: Variant summary: ELP1 c.1229C>T (p.Pro410Leu) results in a non-conservative amino acid change in the encoded protein sequence. Algorithms developed to predict the effect of missense changes on protein structure and function all suggest that this variant is likely to be disruptive. The variant allele was found at a frequency of 4.4e-05 in 1613996 control chromosomes. This frequency is not significantly higher than estimated for disease-causing variants in ELP1, allowing no conclusion about variant significance. To our knowledge, no occurrence of c.1229C>T in individuals affected with ELP1-related conditions and no experimental evidence demonstrating its impact on protein function have been reported. The following publications have been ascertained in the context of this evaluation (PMID: 35199222, 32296180). ClinVar contains an entry for this variant (Variation ID: 574238). Based on the evidence outlined above, the variant was classified as uncertain significance.

Institute for Genomic Medicine (IGM) Clinical Laboratory, Nationwide Children's Hospital
Classification: Uncertain significance for ELP1-Associated Medulloblastoma. Last evaluated: 2025-03-21. Review status: criteria provided, single submitter. Criteria: ACMG Guidelines, 2015. Collection method: clinical testing. Allele origin: germline.
Comment: Well-established functional studies have demonstrated this variant to have a damaging effect on protein function or splicing (ACMG/AMP: PS3_Supporting). This variant has been reported at an elevated frequency in affected individuals/in multiple affected individuals in the literature (ACMG/AMP: PS4_Moderate; PMID:32296180). This variant is absent from or present at an exceedingly low frequency in gnomAD, a large-scale control population database (ACMG/AMP: PM2_Supporting). This variant is predicted to alter protein function or structure, or disrupt splicing by multiple in silico tools (ACMG/AMP: PP3). This variant results in a missense alteration in a gene for which primarily truncating variants are known to cause disease (ACMG/AMP: BP1).

Fulgent Genetics
Classification: Uncertain significance for Medulloblastoma; Familial dysautonomia. Last evaluated: 2024-05-06. Review status: criteria provided, single submitter. Criteria: ACMG Guidelines, 2015. Collection method: clinical testing. Allele origin: germline.

Labcorp Genetics (formerly Invitae), Labcorp
Classification: Uncertain significance. Last evaluated: 2022-07-21. Review status: criteria provided, single submitter. Criteria: Invitae Variant Classification Sherloc (09022015). Collection method: clinical testing. Allele origin: germline.
Comment: This sequence change replaces proline, which is neutral and non-polar, with leucine, which is neutral and non-polar, at codon 410 of the ELP1 protein (p.Pro410Leu). This variant is present in population databases (rs375957332, gnomAD 0.002%). This variant has not been reported in the literature in individuals affected with ELP1-related conditions. ClinVar contains an entry for this variant (Variation ID: 574238). Algorithms developed to predict the effect of missense changes on protein structure and function are either unavailable or do not agree on the potential impact of this missense change (SIFT: "Deleterious"; PolyPhen-2: "Probably Damaging"; Align-GVGD: "Class C0"). In summary, the available evidence is currently insufficient to determine the role of this variant in disease. Therefore, it has been classified as a Variant of Uncertain Significance.

Ambry Genetics
Classification: Uncertain significance. Last evaluated: 2021-04-11. Review status: criteria provided, single submitter. Criteria: Ambry Variant Classification Scheme 2023. Collection method: clinical testing. Allele origin: germline.
Comment: The p.P410L variant (also known as c.1229C>T), located in coding exon 11 of the IKBKAP gene, results from a C to T substitution at nucleotide position 1229. The proline at codon 410 is replaced by leucine, an amino acid with similar properties. This amino acid position is highly conserved in available vertebrate species. In addition, this alteration is predicted to be deleterious by in silico analysis. Since supporting evidence is limited at this time, the clinical significance of this alteration remains unclear.

Natera, Inc.
Classification: Uncertain significance for Familial dysautonomia. Last evaluated: 2020-08-10. Review status: no assertion criteria provided. Collection method: clinical testing. Allele origin: germline. Not counted in ClinVar's aggregate classification.

Literature cited by the submitters: PubMed 32296180 (cited by Women's Health and Genetics/Laboratory Corporation of America, LabCorp and Institute for Genomic Medicine (IGM) Clinical Laboratory, Nationwide Children's Hospital); PubMed 35199222 (cited by Women's Health and Genetics/Laboratory Corporation of America, LabCorp).

NM_003640.5(ELP1):c.1229C>T (p.Pro410Leu)

Gene: ELP1 (elongator acetyltransferase complex subunit 1; minus strand). Cytogenetic location: 9q31.3.
Variant type: single nucleotide variant.
Coding change: c.1229C>T on transcript NM_003640.5 (MANE Select); coding-DNA position 1229, C replaced by T.
Protein change: p.Pro410Leu; replaces proline 410 with leucine.
Molecular consequence: missense variant.
Genome position (GRCh38, 1-based): chr9:108,911,141, G>A on the plus strand (C>T on the coding strand, the complement: ELP1 is on the minus strand). VCF-style: chr9-108911141-G-A. GRCh37 (hg19) VCF-style: chr9-111673421-G-A.
Other names: c.1229C>T (NM_003640.4, LRG_251t1); c.887C>T, p.Pro296Leu (NM_001318360.2); c.182C>T, p.Pro61Leu (NM_001330749.2); short protein forms P410L, P296L, P61L.
Identifiers: ClinVar variation 574238 (VCV000574238.11), dbSNP rs375957332, ClinGen allele CA5175074.